The following is an entry in ClinVar:

ClinVar aggregate classification (germline): Likely benign (1 of 4 stars; one submission).

Submission:

CeGaT Center for Human Genetics Tuebingen
Classification: Likely benign. Last evaluated: 2025-01-01. Review status: criteria provided, single submitter. Criteria: CeGaT Center For Human Genetics Tuebingen Variant Classification Criteria Version 2. Collection method: clinical testing. Allele origin: germline. Affected: yes. Observed: 1 variant allele.
Comment: KIAA0753: PM2:Supporting, BP4, BP7

NM_014804.3(KIAA0753):c.1377A>G (p.Val459=)

Gene: KIAA0753 (KIAA0753; minus strand). Cytogenetic location: 17p13.1.
Variant type: single nucleotide variant.
Coding change: c.1377A>G on transcript NM_014804.3 (MANE Select); coding-DNA position 1377, A replaced by G.
Protein change: p.Val459=; no amino-acid change (valine 459 retained).
Molecular consequence: synonymous variant.
Genome position (GRCh38, 1-based): chr17:6,612,087, T>C on the plus strand (A>G on the coding strand, the complement: KIAA0753 is on the minus strand). VCF-style: chr17-6612087-T-C. GRCh37 (hg19) VCF-style: chr17-6515407-T-C.
Other names: c.480A>G, p.Val160= (NM_001351225.2).
Identifiers: ClinVar variation 3772361 (VCV003772361.13).